The following is an entry in ClinVar:

ClinVar aggregate classification (germline): Pathogenic. Review status: criteria provided, multiple submitters, no conflicts (2 of 4 stars). 4 submissions from 4 submitters: Pathogenic (4). Last evaluated 2026-01-29.

Conditions:
Fanconi anemia (FA). Also called: Fanconi's anemia. Identifiers: Orphanet 84, MedGen C0015625, MeSH D005199, MONDO:0019391.
Fanconi anemia complementation group A (FANCA). Also called: FANCA-Related Fanconi Anemia; Fanconi anemia, group A. Identifiers: Orphanet 84, MedGen C3469521, MONDO:0009215, OMIM 227650.

Allele frequency attached by ClinVar (database versions not stated): TOPMed 0.00001.

Submissions (4):

Labcorp Genetics (formerly Invitae), Labcorp
Classification: Pathogenic for Fanconi anemia. Last evaluated: 2026-01-29. Review status: criteria provided, single submitter. Criteria: Invitae Variant Classification Sherloc (09022015). Collection method: clinical testing. Allele origin: germline.
Comment: This sequence change creates a premature translational stop signal (p.Gln387*) in the FANCA gene. It is expected to result in an absent or disrupted protein product. Loss-of-function variants in FANCA are known to be pathogenic (PMID: 19367192). This variant is not present in population databases (gnomAD no frequency). This premature translational stop signal has been observed in individual(s) with Fanconi anemia (PMID: 29098742). ClinVar contains an entry for this variant (Variation ID: 2675441). Algorithms developed to predict the effect of sequence changes on RNA splicing suggest that this variant may disrupt the consensus splice site. For these reasons, this variant has been classified as Pathogenic.

Fulgent Genetics
Classification: Pathogenic for Fanconi anemia complementation group A. Last evaluated: 2024-06-21. Review status: criteria provided, single submitter. Criteria: ACMG Guidelines, 2015. Collection method: clinical testing. Allele origin: germline.

Natera, Inc.
Classification: Pathogenic for Fanconi anemia. Last evaluated: 2024-03-22. Review status: criteria provided, single submitter. Criteria: Natera Variant Classification Schema (03/2026). Collection method: clinical testing. Allele origin: germline.
Comment: The c.1159C>T variant in FANCA is a nonsense variant predicted to introduce a stop codon at amino acid 387. This variant is expected to result in nonsense mediated decay, truncation, or a dysfunctional protein product. This variant is rare in the general population with a frequency below the threshold expected for the associated phenotype(s). This variant has been observed in one or more individuals affected with the associated recessive disease, as either homozygous or compound heterozygous with a second variant (PMID: 29098742). Given the available evidence, this variant is classified as Pathogenic.

Baylor Genetics
Classification: Pathogenic for Fanconi anemia complementation group A. Last evaluated: 2024-02-20. Review status: criteria provided, single submitter. Criteria: ACMG Guidelines, 2015. Collection method: clinical testing. Allele origin: unknown.

Literature cited by the submitters: PubMed 19367192 (cited by Labcorp Genetics (formerly Invitae), Labcorp); PubMed 29098742 (cited by Labcorp Genetics (formerly Invitae), Labcorp and Natera, Inc.).

NM_000135.4(FANCA):c.1159C>T (p.Gln387Ter)

Gene: FANCA (FA complementation group A; minus strand). Cytogenetic location: 16q24.3.
Variant type: single nucleotide variant.
Coding change: c.1159C>T on transcript NM_000135.4 (MANE Select); coding-DNA position 1159, C replaced by T.
Protein change: p.Gln387Ter; replaces glutamine 387 with a stop codon.
Molecular consequence: nonsense.
Genome position (GRCh38, 1-based): chr16:89,791,993, G>A on the plus strand (C>T on the coding strand, the complement: FANCA is on the minus strand). VCF-style: chr16-89791993-G-A. GRCh37 (hg19) VCF-style: chr16-89858401-G-A.
Other names: c.1159C>T (NM_000135.3); c.1159C>T, p.Gln387Ter (NM_001286167.3); short protein forms Q387*.
Identifiers: ClinVar variation 2675441 (VCV002675441.6), dbSNP rs2040091881, ClinGen allele CA397466179.
Genomic context (GRCh38, chr16:89,791,993, plus strand): 5'-GCAGCTGCTGCGCTTCTGGAAAGCAGACAACCAGGGCAGACACAAAGGAGAGCACTCTCT[G>A]CCAGTGAACCTCCTGCGTTTCCAGAACTTCTTGCAAATGGCCAACCAACTCCTCTGCACT-3'